The following is an entry in ClinVar:

NM_001101426.4(CRPPA):c.*86A>G

Gene: CRPPA (CDP-L-ribitol pyrophosphorylase A; minus strand). Cytogenetic location: 7p21.2.
Variant type: single nucleotide variant.
Coding change: c.*86A>G on transcript NM_001101426.4 (MANE Select); 86 bases downstream of the stop codon, A replaced by G.
Molecular consequence: 3 prime UTR variant. On other transcripts: non-coding transcript variant (1).
Genome position (GRCh38, 1-based): chr7:16,091,609, T>C on the plus strand (A>G on the coding strand, the complement: CRPPA is on the minus strand). VCF-style: chr7-16091609-T-C. GRCh37 (hg19) VCF-style: chr7-16131234-T-C.
Other names: c.*86A>G (NM_001101417.4, NM_001368197.1).
Identifiers: ClinVar variation 909784 (VCV000909784.6), dbSNP rs16878685, ClinGen allele CA154724601.

ClinVar aggregate classification (germline): Benign/Likely benign. Review status: criteria provided, multiple submitters, no conflicts (2 of 4 stars). 2 submissions from 2 submitters: Benign (1); Likely benign (1). Last evaluated 2018-08-25.

Conditions:
Congenital Muscular Dystrophy, alpha-dystroglycan related.

Allele frequency attached by ClinVar (database versions not stated): gnomAD exomes 0.00258; gnomAD 0.00512 and 0.00522; TOPMed 0.00538; 1000 Genomes Project 30x 0.00953; 1000 Genomes Project 0.00998.
gnomAD v4.1: 2,213 of 697,176 alleles (0.32%); highest among the groups gnomAD compares: East Asian, 3.6%; 34 homozygotes.

Submissions (2):

GeneDx
Classification: Likely benign. Last evaluated: 2018-08-25. Review status: criteria provided, single submitter. Criteria: GeneDx Variant Classification Process June 2021. Collection method: clinical testing. Allele origin: germline. Affected: yes.

Illumina Laboratory Services, Illumina
Classification: Benign for Congenital Muscular Dystrophy, alpha-dystroglycan related. Last evaluated: 2018-01-13. Review status: criteria provided, single submitter. Criteria: ICSL Variant Classification Criteria 13 December 2019. Collection method: clinical testing. Allele origin: germline.
Comment: This variant was observed in the ICSL laboratory as part of a predisposition screen in an ostensibly healthy population. It had not been previously curated by ICSL or reported in the Human Gene Mutation Database (HGMD: prior to June 1st, 2018), and was therefore a candidate for classification through an automated scoring system. Utilizing variant allele frequency, disease prevalence and penetrance estimates, and inheritance mode, an automated score was calculated to assess if this variant is too frequent to cause the disease. Based on the score and internal cut-off values, a variant classified as benign is not then subjected to further curation. The score for this variant resulted in a classification of benign for this disease.